The following is an entry in ClinVar:

ClinVar aggregate classification (germline): Pathogenic (1 of 4 stars; one submission).

Conditions:
Intellectual developmental disorder with seizures and language delay (IDDSELD). Identifiers: MedGen C5436574, MONDO:0033559, OMIM 619000.

Submission:

New York Genome Center
Classification: Pathogenic for Intellectual developmental disorder with seizures and language delay. Last evaluated: 2020-09-23. Review status: criteria provided, single submitter. Criteria: NYGC Assertion Criteria 2020. Collection method: clinical testing. Allele origin: de novo. Affected: yes. Observed: 1 heterozygote. Study: CSER-NYCKidSeq.
Comment: The de novo stop-gained variant (p.Gln527Ter) identified in exon 5 (of 16) of the SETD1B gene creates a premature translation termination codon and is predicted to cause loss of normal protein function either through protein truncation or nonsense-mediated mRNA decay. The variant is absent from the gnomAD(v3) database indicating it is an extremely rare allele in the general population. Based on the available evidence, the de novo heterozygous p.Gln527Ter stop-gained variant identified in the SETD1B gene is assessed as Pathogenic.

NM_001353345.2(SETD1B):c.1579C>T (p.Gln527Ter)

Gene: SETD1B (SET domain containing 1B, histone lysine methyltransferase; plus strand). Cytogenetic location: 12q24.31.
Variant type: single nucleotide variant.
Coding change: c.1579C>T on transcript NM_001353345.2 (MANE Select); coding-DNA position 1579, C replaced by T.
Protein change: p.Gln527Ter; replaces glutamine 527 with a stop codon.
Molecular consequence: nonsense.
Genome position (GRCh38, 1-based): chr12:121,810,524, C>T. VCF-style: chr12-121810524-C-T. GRCh37 (hg19) VCF-style: chr12-122248430-C-T.
Other names: short protein forms Q527*.
Identifiers: ClinVar variation 1213699 (VCV001213699.1), dbSNP rs2137553018, ClinGen allele CA386992210.